The following is an entry in ClinVar:

ClinVar aggregate classification (germline): Benign/Likely benign. Review status: criteria provided, multiple submitters, no conflicts (2 of 4 stars). 11 submissions from 11 submitters: Benign (4); Likely benign (4). 3 of the submissions do not count toward it. Last evaluated 2026-09-21.

Conditions:
Hypertrophic cardiomyopathy 10. Also called: CARDIOMYOPATHY, HYPERTROPHIC, MID-LEFT VENTRICULAR CHAMBER TYPE, 2; MYL2-Related Familial Hypertrophic Cardiomyopathy. Identifiers: MedGen C1834460, MONDO:0012112, OMIM 608758.
Cardiovascular phenotype. Identifiers: MedGen CN230736.
Cardiomyopathy (CMYO). Also called: Cardiomyopathies. Identifiers: Orphanet 167848, MedGen C0878544, MONDO:0004994, HP:0001638. Inheritance: Various modes of inheritance.

Allele frequency attached by ClinVar (database versions not stated): gnomAD 0.00076 and 0.00072; ESP Exome Variant Server 0.00038; TOPMed 0.00071; 1000 Genomes Project 30x 0.00125; gnomAD exomes 0.00015; ExAC 0.00016; 1000 Genomes Project 0.00100.
gnomAD v4.1: 220 of 1,613,678 alleles (0.014%); highest among the groups gnomAD compares: African/African-American, 0.23%; 1 homozygote.

Submissions (11):

Molecular Diagnostic Laboratory for Inherited Cardiovascular Disease, Montreal Heart Institute
Classification: Benign. Last evaluated: 2026-09-21. Review status: criteria provided, single submitter. Criteria: ACMG Guidelines, 2015. Collection method: clinical testing. Allele origin: germline. Affected: no.
Comment: BS1;BP7

Labcorp Genetics (formerly Invitae), Labcorp
Classification: Benign for Hypertrophic cardiomyopathy 10. Last evaluated: 2026-01-28. Review status: criteria provided, single submitter. Criteria: Invitae Variant Classification Sherloc (09022015). Collection method: clinical testing. Allele origin: germline.

Blueprint Genetics
Classification: Likely benign. Last evaluated: 2024-06-28. Review status: criteria provided, single submitter. Criteria: ACMG Guidelines, 2015. Collection method: clinical testing. Allele origin: germline.

GeneDx
Classification: Likely benign. Last evaluated: 2020-10-09. Review status: criteria provided, single submitter. Criteria: GeneDx Variant Classification Process June 2021. Collection method: clinical testing. Allele origin: germline. Affected: yes.

Women's Health and Genetics/Laboratory Corporation of America, LabCorp
Classification: Benign. Last evaluated: 2020-08-24. Review status: criteria provided, single submitter. Criteria: LabCorp Variant Classification Summary - May 2015. Collection method: clinical testing. Allele origin: germline.

Color Diagnostics, LLC DBA Color Health
Classification: Benign for Cardiomyopathy. Last evaluated: 2018-11-25. Review status: criteria provided, single submitter. Criteria: ACMG Guidelines, 2015. Collection method: clinical testing. Allele origin: germline.

Ambry Genetics
Classification: Likely benign for Cardiovascular phenotype. Last evaluated: 2017-02-01. Review status: criteria provided, single submitter. Criteria: Ambry Variant Classification Scheme 2023. Collection method: clinical testing. Allele origin: germline.

Laboratory for Molecular Medicine, Mass General Brigham Personalized Medicine
Classification: Likely benign. Last evaluated: 2013-08-22. Review status: criteria provided, single submitter. Criteria: LMM Criteria. Collection method: clinical testing. Allele origin: germline. Observed: 6 variant alleles.
Comment: Gly12Gly in exon 2 of MYL2: This variant is not expected to have clinical signif icance because it does not alter an amino acid residue and is not located within the splice consensus sequence. It has been identified in 0.1% (5/4406) of Afric an American chromosomes from a broad population by the NHLBI Exome Sequencing Pr oject (dbSNP rs139794370). Gly12Gly in exon 2 of MYL2 (rs139794370; allele frequency = 0.1%, 5/4406) **

Clinical Genetics DNA and cytogenetics Diagnostics Lab, Erasmus MC, Erasmus Medical Center
Classification: Likely benign. Review status: no assertion criteria provided. Collection method: clinical testing. Allele origin: germline. Affected: yes. Study: VKGL Data-share Consensus. Not counted in ClinVar's aggregate classification.

Clinical Genetics, Academic Medical Center
Classification: Benign. Review status: no assertion criteria provided. Collection method: clinical testing. Allele origin: germline. Affected: yes. Study: VKGL Data-share Consensus. Not counted in ClinVar's aggregate classification.

Joint Genome Diagnostic Labs from Nijmegen and Maastricht, Radboudumc and MUMC+
Classification: Likely benign. Review status: no assertion criteria provided. Collection method: clinical testing. Allele origin: germline. Affected: yes. Study: VKGL Data-share Consensus. Not counted in ClinVar's aggregate classification.

NM_000432.4(MYL2):c.36C>T (p.Gly12=)

Genes: MYL2 (myosin light chain 2; minus strand), LOC114827850 (VISTA enhancer hs2149; plus strand). Cytogenetic location: 12q24.11.
Variant type: single nucleotide variant.
Coding change: c.36C>T on transcript NM_000432.4 (MANE Select); coding-DNA position 36, C replaced by T.
Protein change: p.Gly12=; no amino-acid change (glycine 12 retained).
Molecular consequence: synonymous variant.
Genome position (GRCh38, 1-based): chr12:110,919,161, G>A on the plus strand (C>T on the coding strand, the complement: MYL2 is on the minus strand). VCF-style: chr12-110919161-G-A. GRCh37 (hg19) VCF-style: chr12-111356965-G-A.
Identifiers: ClinVar variation 43472 (VCV000043472.29), dbSNP rs139794370, ClinGen allele CA010220.
Genomic context (GRCh38, chr12:110,919,161, plus strand): 5'-CACCTCCTTAAATTCCTGGATTTGGGTCTGTTCGAACATGGAGAACACGTTGGAGTTGGC[G>A]CCCCCGGCTCTCTTCTTTGCTTTCTTAGGTGCCTGGGGGAAAAAAGCATCGATTAAAAGA-3'
Protein context (NP_000423.2, residues 2-22): APKKAKKRAG[Gly12=]ANSNVFSMFE